The following is an entry in ClinVar:

ClinVar aggregate classification (germline): not provided (0 of 4 stars; one submission).

Allele frequency attached by ClinVar (database versions not stated): gnomAD 0.00002 and 0.00001; 1000 Genomes Project 0.00020; TOPMed below 0.00001.
gnomAD v4.1: 23 of 1,613,912 alleles (0.0014%); highest among the groups gnomAD compares: Middle Eastern, 0.016%; no homozygotes.

Submission:

Human Evolutionary Genetics, Institut Pasteur
No classification provided. Review status: no classification provided. Collection method: not provided. Allele origin: germline.
ClinVar note: Converted during submission from untested to not provided.

NM_001433705.1(NLRP5):c.1121G>A (p.Arg374His)

Genes: NLRP5 (NLR family pyrin domain containing 5; plus strand), LOC126862935 (BRD4-independent group 4 enhancer GRCh37_chr19:56537936-56539135; plus strand). Cytogenetic location: 19q13.43.
Variant type: single nucleotide variant.
Coding change: c.1121G>A on transcript NM_001433705.1 (MANE Select); coding-DNA position 1121, G replaced by A.
Protein change: p.Arg374His; replaces arginine 374 with histidine.
Molecular consequence: missense variant.
Genome position (GRCh38, 1-based): chr19:56,027,507, G>A. VCF-style: chr19-56027507-G-A. GRCh37 (hg19) VCF-style: chr19-56538873-G-A.
Other names: NM_153447.4:c.1274G>A; short protein forms R374H.
Identifiers: ClinVar variation 103279 (VCV000103279.2), dbSNP rs199475774, ClinGen allele CA230358.